The following is an entry in ClinVar:

ClinVar aggregate classification (germline): Pathogenic/Likely pathogenic. Review status: criteria provided, multiple submitters, no conflicts (2 of 4 stars). 6 submissions from 6 submitters: Pathogenic (3); Likely pathogenic (3). Last evaluated 2025-08-13.

Conditions:
Cardiovascular phenotype. Identifiers: MedGen CN230736.
Autosomal recessive limb-girdle muscular dystrophy type 2J (LGMDR10). Also called: MUSCULAR DYSTROPHY, LIMB-GIRDLE, AUTOSOMAL RECESSIVE 10; Limb-girdle muscular dystrophy, type 2J. Identifiers: Orphanet 140922, MedGen C1837342, MONDO:0012127, OMIM 608807.
Dilated cardiomyopathy 1G (CMD1G). Identifiers: Orphanet 154, MedGen C1858763, MONDO:0011400, OMIM 604145.
Hypertrophic cardiomyopathy 9. Also called: Familial hypertrophic cardiomyopathy 9. Identifiers: MedGen C1861065, MONDO:0013412, OMIM 613765.
Tibial muscular dystrophy (TMD). Also called: Tibial muscular dystrophy, tardive; Udd Distal Myopathy – Tibial Muscular Dystrophy; UDD MYOPATHY. Identifiers: Orphanet 609, MedGen C1838244, MONDO:0010870, OMIM 600334.
Early-onset myopathy with fatal cardiomyopathy (CMYO5). Also called: CONGENITAL MYOPATHY 5 WITH CARDIOMYOPATHY; Salih Myopathy. Identifiers: Orphanet 289377, MedGen C2673677, MONDO:0012714, OMIM 611705. Disease mechanism: loss of function.
Myopathy, myofibrillar, 9, with early respiratory failure (MFM9). Also called: Myopathy, distal, with early respiratory failure, autosomal dominant; Hereditary myopathy with early respiratory failure; EDSTROM MYOPATHY; MYOPATHY, PROXIMAL, WITH EARLY RESPIRATORY MUSCLE INVOLVEMENT. Identifiers: Orphanet 178464, Orphanet 34521, MedGen C1863599, MONDO:0011362, OMIM 603689.

Allele frequency attached by ClinVar (database versions not stated): ExAC 0.00001.
gnomAD v4.1: 1 of 1,613,934 alleles (0.000062%); highest among the groups gnomAD compares: South Asian, 0.0011%; no homozygotes.

Submissions (6):

Ambry Genetics
Classification: Likely pathogenic for Cardiovascular phenotype. Last evaluated: 2025-08-13. Review status: criteria provided, single submitter. Criteria: Ambry Variant Classification Scheme 2023. Collection method: clinical testing. Allele origin: germline.
Comment: The p.Y26076* variant (also known as c.78228C>G), located in coding exon 185 of the TTN gene, results from a C to G substitution at nucleotide position 78228. This changes the amino acid from a tyrosine to a stop codon within coding exon 185. This exon is located in the M-band region of the N2-B isoform of the titin protein and is constitutively expressed in TTN transcripts (percent spliced in or PSI 100%). This variant was reported in individual(s) with features consistent with dilated cardiomyopathy (Vissing CR et al. J Med Genet. 2021 Dec;58(12):832-841). This variant has been identified in the homozygous state and/or in conjunction with other TTN variant(s) in individual(s) with features consistent with centronuclear myopathy (Witting N et al. Neurol Genet. 2017 Apr;3(2):e140). Note, this variant is also referred to as NM_001267550.1:c.105423C>G, p.Tyr35141* and NM_133378.4:c.97719C>G, p.Tyr32573* in the literature. This variant is considered to be rare based on population cohorts in the Genome Aggregation Database (gnomAD). This variant is expected to result in loss of function by premature protein truncation or nonsense-mediated mRNA decay. While truncating variants in TTN are present in 1-3% of the general population, truncating variants in the M-band have been reported in association with autosomal recessive titinopathies, primarily presenting with skeletal myopathy phenotypes (Ceyhan-Birsoy O et al. Neurology. 2013 Oct 1;81(14):1205-14; De Cid R et al. Neurology. 2015;85(24):2126-35). Truncating variants in coding exon 185 of the M-band of the N2-B isoform have also been specifically associated with autosomal dominant dilated cardiomyopathy (Vatta M et al. Circ GenomPrecis Med. 2025 Feb:e004982). More generally, TTN truncating variants encoded in constitutive exons (PSI >90%) have been found to be significantly associated with dilated cardiomyopathy (DCM) regardless of their position, although truncating variants in the A-band are the most common cause of DCM (Herman DS et al. N. Engl. J. Med., 2012 Feb;366:619-28; Roberts AM et al. Sci Transl Med, 2015 Jan;7:270ra6; Schafer S et al. Nat. Genet., 2017 01;49:46-53; Akhtar MM et al. Circ Heart Fail, 2020 Oct;13:e006832; Massier M et al. Clin Genet, 2025 Jan). Based on the majority of available evidence to date, this variant is likely to be pathogenic.

Labcorp Genetics (formerly Invitae), Labcorp
Classification: Likely pathogenic for Dilated cardiomyopathy 1G; Autosomal recessive limb-girdle muscular dystrophy type 2J. Last evaluated: 2024-09-02. Review status: criteria provided, single submitter. Criteria: Invitae Variant Classification Sherloc (09022015). Collection method: clinical testing. Allele origin: germline.
Comment: This sequence change creates a premature translational stop signal (p.Tyr35141*) in the TTN gene. While this is not anticipated to result in nonsense mediated decay, it is expected to create a truncated TTN protein. This variant is present in population databases (rs534484592, gnomAD 0.003%). This premature translational stop signal has been observed in individual(s) with centronuclear myopathy and/or dilated cardiomyopathy (PMID: 28357410, 33106378). ClinVar contains an entry for this variant (Variation ID: 593024). This variant is located in the M band of TTN (PMID: 25589632). Truncating variants in this region have been previously reported in individuals affected with autosomal recessive myopathy and muscular dystrophy (PMID: 18948003, 23975875, 24395473). Truncating variants in this region have also been identified in individuals affected with autosomal dominant dilated cardiomyopathy and/or cardio-related conditions (PMID: 27869827, 32964742, internal data). In summary, the currently available evidence indicates that the variant is pathogenic, but additional data are needed to prove that conclusively. Therefore, this variant has been classified as Likely Pathogenic.

MGZ Medical Genetics Center
Classification: Pathogenic for Autosomal recessive limb-girdle muscular dystrophy type 2J. Last evaluated: 2021-08-31. Review status: criteria provided, single submitter. Criteria: ACMG Guidelines, 2015. Collection method: clinical testing. Allele origin: germline. Affected: yes. Observed: 1 variant allele.
Comment: ACMG criteria applied: PVS1, PM3, PM2_SUP

Fulgent Genetics
Classification: Pathogenic for Tibial muscular dystrophy; Myopathy, myofibrillar, 9, with early respiratory failure; Dilated cardiomyopathy 1G; Autosomal recessive limb-girdle muscular dystrophy type 2J; Early-onset myopathy with fatal cardiomyopathy; Hypertrophic cardiomyopathy 9. Last evaluated: 2021-08-05. Review status: criteria provided, single submitter. Criteria: ACMG Guidelines, 2015. Collection method: clinical testing. Allele origin: unknown.

Broad Center for Mendelian Genomics, Broad Institute of MIT and Harvard
Classification: Pathogenic for Autosomal recessive limb-girdle muscular dystrophy type 2J. Last evaluated: 2018-12-03. Review status: criteria provided, single submitter. Criteria: ACMG Guidelines, 2015. Collection method: research. Allele origin: germline. Inheritance: Autosomal recessive inheritance. Affected: yes.
Comment: The presence of this variant in combination with a pathogenic variant and in an individual with LGMD increases the likelihood that the p.Phe35721LeufsTer2 variant is pathogenic. This variant has been identified in 0.003249% (1/30782) of South Asian chromosomes by the Genome Aggregation Database (gnomAD; dbSNP rs534484592). Although this variant has been seen in the general population, its frequency is low enough to be consistent with a recessive carrier frequency. Loss of function of the TTN gene is an established disease mechanism in autosomal recessive LGMD. In summary, this variant meets criteria to be classified as pathogenic for LGMD in an autosomal recessive manner based on the predicted impact of the variant and the presence of a pathogenic variant in an individual with LGMD. ACMG/AMP Criteria applied: PM2, PVS1, PM3 (Richards 2015).

Eurofins Ntd Llc (ga)
Classification: Likely pathogenic. Last evaluated: 2017-07-07. Review status: criteria provided, single submitter. Criteria: EGL Classification Definitions 2015. Collection method: clinical testing. Allele origin: germline. Observed: 1 variant allele, 1 heterozygote.

Literature cited by the submitters: PubMed 28357410 (cited by Ambry Genetics and Labcorp Genetics (formerly Invitae), Labcorp); PubMed 33106378 (cited by Ambry Genetics and Labcorp Genetics (formerly Invitae), Labcorp); PubMed 25589632 (cited by Labcorp Genetics (formerly Invitae), Labcorp); PubMed 18948003 (cited by Labcorp Genetics (formerly Invitae), Labcorp); PubMed 23975875 (cited by Labcorp Genetics (formerly Invitae), Labcorp); PubMed 24395473 (cited by Labcorp Genetics (formerly Invitae), Labcorp); PubMed 27869827 (cited by Labcorp Genetics (formerly Invitae), Labcorp); PubMed 32964742 (cited by Labcorp Genetics (formerly Invitae), Labcorp).

NM_001267550.2(TTN):c.105423C>G (p.Tyr35141Ter)

Genes: TTN (titin; minus strand), TTN-AS1 (TTN antisense RNA 1; plus strand). Cytogenetic location: 2q31.2.
Variant type: single nucleotide variant.
Coding change: c.105423C>G on transcript NM_001267550.2 (MANE Select); coding-DNA position 105423, C replaced by G.
Protein change: p.Tyr35141Ter; replaces tyrosine 35141 with a stop codon.
Molecular consequence: nonsense.
Genome position (GRCh38, 1-based): chr2:178,531,192, G>C on the plus strand (C>G on the coding strand, the complement: TTN is on the minus strand). VCF-style: chr2-178531192-G-C. GRCh37 (hg19) VCF-style: chr2-179395919-G-C.
Other names: c.100500C>G, p.Tyr33500Ter (NM_001256850.1); c.78228C>G, p.Tyr26076Ter (NM_003319.4); c.97719C>G, p.Tyr32573Ter (NM_133378.4); c.78603C>G, p.Tyr26201Ter (NM_133432.3); c.78804C>G, p.Tyr26268Ter (NM_133437.4); short protein forms Y32573*, Y35141*, Y26268*, Y33500*, Y26076*, Y26201*.
Identifiers: ClinVar variation 593024 (VCV000593024.11), dbSNP rs534484592, ClinGen allele CA1985263.
Genomic context (GRCh38, chr2:178,531,192, plus strand): 5'-GGTCACAGTTGGTACCGGCTCACCATCGGTGTCACAAGAAAACCTTGCAGACTCGCCCTC[G>C]TAGACGGTCATGGACCGTGGCTTTGTTAGAATTCTTGCTGCCAAAGTCGTCTTGATCTTT-3'